The following is an entry in ClinVar:

NM_001206927.2(DNAH8):c.3482T>G (p.Val1161Gly)

Gene: DNAH8 (dynein axonemal heavy chain 8; plus strand). Cytogenetic location: 6p21.2.
Variant type: single nucleotide variant.
Coding change: c.3482T>G on transcript NM_001206927.2 (MANE Select); coding-DNA position 3482, T replaced by G.
Protein change: p.Val1161Gly; replaces valine 1161 with glycine.
Molecular consequence: missense variant.
Genome position (GRCh38, 1-based): chr6:38,815,616, T>G. VCF-style: chr6-38815616-T-G. GRCh37 (hg19) VCF-style: chr6-38783392-T-G.
Other names: p.Val1161Gly; c.2831T>G, p.Val944Gly (NM_001371.4); short protein forms V944G, V1161G.
Identifiers: ClinVar variation 4541158 (VCV004541158.1).

ClinVar aggregate classification (germline): Uncertain significance (1 of 4 stars; one submission).

gnomAD v4.1: 10 of 1,613,220 alleles (0.00062%); highest among the groups gnomAD compares: Non-Finnish European, 0.00076%; no homozygotes.

Submission:

Mayo Clinic Laboratories, Mayo Clinic
Classification: Uncertain significance. Last evaluated: 2024-12-18. Review status: criteria provided, single submitter. Criteria: ACMG Guidelines, 2015. Collection method: clinical testing. Allele origin: germline. Observed: 1 variant allele.
Comment: BP4_strong